The following is an entry in ClinVar:

NM_001267550.2(TTN):c.11311+3330C>A

Gene: TTN (titin; minus strand). Cytogenetic location: 2q31.2.
Variant type: single nucleotide variant.
Coding change: c.11311+3330C>A on transcript NM_001267550.2 (MANE Select); 3330 bases into the intron after coding-DNA position 11311, C replaced by A.
Molecular consequence: intron variant. On other transcripts: missense variant (1).
Genome position (GRCh38, 1-based): chr2:178,749,794, G>T on the plus strand (C>A on the coding strand, the complement: TTN is on the minus strand). VCF-style: chr2-178749794-G-T. GRCh37 (hg19) VCF-style: chr2-179614521-G-T.
Other names: c.12606C>A, p.Asn4202Lys (NM_133379.5); c.10222+3330C>A (NM_003319.4); c.10798+3330C>A (NM_133437.4); c.10597+3330C>A (NM_133432.3); c.10360+3330C>A (NM_133378.4, NM_001256850.1); short protein forms N4202K.
Identifiers: ClinVar variation 4984893 (VCV004984893.1).

ClinVar aggregate classification (germline): Uncertain significance (1 of 4 stars; one submission).

Conditions:
TTN-related disorder. Also called: TTN-related disorders; TTN-related condition; TTN-related disease.

gnomAD v4.1: 3 of 1,613,040 alleles (0.00019%); highest among the groups gnomAD compares: Non-Finnish European, 0.00025%; no homozygotes.

Submission:

PreventionGenetics, part of Exact Sciences
Classification: Uncertain significance for TTN-related condition. Last evaluated: 2025-04-25. Review status: criteria provided, single submitter. Criteria: ACMG Guidelines, 2015. Collection method: clinical testing. Allele origin: germline.
Comment: The TTN c.12606C>A variant is predicted to result in the amino acid substitution p.Asn4202Lys. To our knowledge, this variant has not been reported in the literature. This variant is also referred to as c.12606C>A (p.Asn4202Lys) in the Novex-3 transcript NM_133379. This variant is located in exon 46 of the Novex-3 transcript (minor small cardiac isoform) which is the last exon of this transcript. This exon is not included in any other TTN transcripts (principle cardiac or skeletal muscle isoforms). This variant is reported in 0.00089% of alleles in individuals of European (Non-Finnish) descent in gnomAD. At this time, the clinical significance of this variant is uncertain due to the absence of conclusive functional and genetic evidence.